The following is an entry in ClinVar:

ClinVar aggregate classification (germline): Conflicting classifications of pathogenicity. Review status: criteria provided, conflicting classifications (1 of 4 stars). 10 submissions from 10 submitters: Uncertain significance (1); Benign (2); Likely benign (6). 1 of the submissions does not count toward it. Last evaluated 2026-08-03.

Conditions:
TSC2-related disorder. Also called: TSC2-Related Disorders; TSC2-related condition.
Hereditary cancer-predisposing syndrome. Also called: Neoplastic Syndromes, Hereditary; Tumor predisposition; Hereditary Cancer Syndrome; Hereditary neoplastic syndrome. Identifiers: Orphanet 140162, MedGen C0027672, MeSH D009386, MONDO:0015356.
Ovarian cancer. Also called: OVARIAN CANCER, SOMATIC. Identifiers: Orphanet 213500, MedGen C1140680, MONDO:0008170, OMIM 167000.
Tuberous sclerosis syndrome (TSC). Also called: Tuberous Sclerosis Complex; Tuberous sclerosis. Identifiers: Orphanet 805, MedGen C0041341, MONDO:0001734.
Tuberous sclerosis 2 (TSC2). Identifiers: Orphanet 805, MedGen C1860707, MONDO:0013199, OMIM 613254.

Allele frequency attached by ClinVar (database versions not stated): gnomAD 0.00001; gnomAD exomes 0.00001 and 0.00004; TOPMed 0.00003; ExAC 0.00004.
gnomAD v4.1: 17 of 1,611,378 alleles (0.0011%); highest among the groups gnomAD compares: East Asian, 0.038%; no homozygotes.

Submissions (10):

PreventionGenetics, part of Exact Sciences
Classification: Likely benign for TSC2-related condition. Last evaluated: 2026-08-03. Review status: criteria provided, single submitter. Criteria: ACMG Guidelines, 2015. Collection method: clinical testing. Allele origin: germline.
Comment: This variant is classified as likely benign based on ACMG/AMP sequence variant interpretation guidelines (Richards et al. 2015 PMID: 25741868, with internal and published modifications).

Labcorp Genetics (formerly Invitae), Labcorp
Classification: Benign for Tuberous sclerosis 2. Last evaluated: 2026-01-29. Review status: criteria provided, single submitter. Criteria: Invitae Variant Classification Sherloc (09022015). Collection method: clinical testing. Allele origin: germline.

Myriad Genetics, Inc.
Classification: Likely benign for Tuberous sclerosis 2. Last evaluated: 2025-05-20. Review status: criteria provided, single submitter. Criteria: Myriad Autosomal Dominant, Autosomal Recessive and X-Linked Classification Criteria (2023). Collection method: clinical testing. Allele origin: unknown.
Comment: This variant is considered likely benign. This variant has been observed at a population frequency that is significantly greater than expected given the associated disease prevalence and penetrance.

All of Us Research Program, National Institutes of Health
Classification: Uncertain significance for Tuberous sclerosis syndrome. Last evaluated: 2024-01-11. Review status: criteria provided, single submitter. Criteria: ACMG Guidelines, 2015. Collection method: clinical testing. Allele origin: germline. Inheritance: Autosomal dominant inheritance. Observed: 2 variant alleles, 2 heterozygotes.
Comment: This study involves interpretation of variants in research participants for the purpose of population health screening. Participant phenotype was not available at the time of variant classification. Additional details can be found in publication PMID: 35346344, PMCID: PMC8962531

Color Diagnostics, LLC DBA Color Health
Classification: Likely benign for Tuberous sclerosis syndrome. Last evaluated: 2022-09-26. Review status: criteria provided, single submitter. Criteria: ACMG Guidelines, 2015. Collection method: clinical testing. Allele origin: germline.

Sema4
Classification: Likely benign for Hereditary cancer-predisposing syndrome. Last evaluated: 2022-03-01. Review status: criteria provided, single submitter. Criteria: Sema4 Curation Guidelines. Collection method: curation. Allele origin: germline.

Genome-Nilou Lab
Classification: Likely benign for Tuberous sclerosis 2. Last evaluated: 2021-11-07. Review status: criteria provided, single submitter. Criteria: ACMG Guidelines, 2015. Collection method: clinical testing. Allele origin: germline. Affected: no.

Ambry Genetics
Classification: Benign for Hereditary cancer-predisposing syndrome. Last evaluated: 2021-10-04. Review status: criteria provided, single submitter. Criteria: Ambry Variant Classification Scheme 2023. Collection method: clinical testing. Allele origin: germline.

Illumina Laboratory Services, Illumina
Classification: Likely benign for Tuberous sclerosis syndrome. Last evaluated: 2017-09-25. Review status: criteria provided, single submitter. Criteria: ICSL Variant Classification Criteria 13 December 2019. Collection method: clinical testing. Allele origin: germline.
Comment: This variant was observed as part of a predisposition screen in an ostensibly healthy population. A literature search was performed for the gene, cDNA change, and amino acid change (where applicable). No publications were found based on this search. Allele frequency data from public databases allowed determination this variant is unlikely to cause disease. Therefore, this variant is classified as likely benign.

Laboratory of Molecular Epidemiology of Birth Defects, West China Second University Hospital, Sichuan University
Classification: Likely pathogenic for Ovarian cancer. Last evaluated: 2022-01-01. Review status: flagged submission. Criteria: ACMG Guidelines, 2015. Collection method: clinical testing. Allele origin: germline. Affected: yes. Not counted in ClinVar's aggregate classification.
ClinVar note: Reason: Outlier claim with insufficient supporting evidence

Literature cited by the submitters: PubMed 30548481 (cited by Ambry Genetics).

NM_000548.5(TSC2):c.2365G>A (p.Val789Ile)

Gene: TSC2 (TSC complex subunit 2; plus strand). Cytogenetic location: 16p13.3.
Variant type: single nucleotide variant.
Coding change: c.2365G>A on transcript NM_000548.5 (MANE Select); coding-DNA position 2365, G replaced by A.
Protein change: p.Val789Ile; replaces valine 789 with isoleucine.
Molecular consequence: missense variant.
Genome position (GRCh38, 1-based): chr16:2,074,209, G>A. VCF-style: chr16-2074209-G-A. GRCh37 (hg19) VCF-style: chr16-2124210-G-A.
Other names: c.2365G>A (NM_000548.4); c.2365G>A, p.Val789Ile (NM_001077183.3, NM_001114382.3, NM_001363528.2 and 3 more transcripts); c.2254G>A, p.Val752Ile (NM_001318827.2); c.2218G>A, p.Val740Ile (NM_001318829.2); c.1765G>A, p.Val589Ile (NM_001318831.2); c.2398G>A, p.Val800Ile (NM_001318832.2); short protein forms V789I, V740I, V752I, V589I, V800I.
Identifiers: ClinVar variation 230946 (VCV000230946.26), dbSNP rs779472379, ClinGen allele CA038777.